The following is an entry in ClinVar:

ClinVar aggregate classification (germline): Likely pathogenic (1 of 4 stars; one submission).

Conditions:
Primary ciliary dyskinesia 3. Identifiers: Orphanet 244, MedGen C1837618, MONDO:0012085, OMIM 608644.

Submission:

Myriad Genetics, Inc.
Classification: Likely pathogenic for Primary ciliary dyskinesia 3. Last evaluated: 2022-02-01. Review status: criteria provided, single submitter. Criteria: Myriad Women's Health Autosomal Recessive and X-Linked Classification Criteria (2021). Collection method: clinical testing. Allele origin: unknown.
Comment: NM_001369.2(DNAH5):c.11207_11208insT(K3736Nfs*28) is expected to be pathogenic in the context of DNAH5-related primary ciliary dyskinesia. This variant is predicted to lead to an abnormal or absent protein product due to the creation of a premature termination codon in DNAH5, a gene where loss-of-function variants are known to be pathogenic. Please note: this variant was assessed in the context of healthy population screening.

NM_001369.3(DNAH5):c.11207_11208insT (p.Lys3736fs)

Gene: DNAH5 (dynein axonemal heavy chain 5; minus strand). Cytogenetic location: 5p15.2.
Variant type: Insertion.
Coding change: c.11207_11208insT on transcript NM_001369.3 (MANE Select); coding-DNA positions 11207 to 11208, T inserted.
Protein change: p.Lys3736fs; shifts the reading frame from lysine 3736.
Molecular consequence: frameshift variant.
Genome position: GRCh38 VCF-style: chr5-13751081-C-CA. GRCh37 (hg19) VCF-style: chr5-13751190-C-CA.
Other names: short protein forms K3736fs.
Identifiers: ClinVar variation 1724201 (VCV001724201.2), dbSNP rs2546607967, ClinGen allele CA2580072125.
Genomic context (GRCh38, chr5:13,751,081, plus strand): 5'-TCAATGAAATATGACATTAAAGCAATGCAGAATGGGAGGGAGCCACACTTCACTCACCTG[C>CA]TTCTCTGTGAGAATGACCCTCCCCAGTAACTGATCTTCTAGACCTTTCATGGTGACAGTG-3'